The following is an entry in ClinVar:

NM_024577.4(SH3TC2):c.3175G>A (p.Glu1059Lys)

Gene: SH3TC2 (SH3 domain and tetratricopeptide repeats 2; minus strand). Cytogenetic location: 5q32.
Variant type: single nucleotide variant.
Coding change: c.3175G>A on transcript NM_024577.4 (MANE Select); coding-DNA position 3175, G replaced by A.
Protein change: p.Glu1059Lys; replaces glutamic acid 1059 with lysine.
Molecular consequence: missense variant.
Genome position (GRCh38, 1-based): chr5:149,012,613, C>T on the plus strand (G>A on the coding strand, the complement: SH3TC2 is on the minus strand). VCF-style: chr5-149012613-C-T. GRCh37 (hg19) VCF-style: chr5-148392176-C-T.
Other names: short protein forms E1059K.
Identifiers: ClinVar variation 2181407 (VCV002181407.4), dbSNP rs953088296, ClinGen allele CA128973068.

ClinVar aggregate classification (germline): Uncertain significance (1 of 4 stars; one submission).

Conditions:
Charcot-Marie-Tooth disease type 4. Also called: Charcot-Marie-Tooth disease, type IV; Charcot-Marie-Tooth, Type 4. Identifiers: Orphanet 64749, MedGen C4082197, MONDO:0018995.

Allele frequency attached by ClinVar (database versions not stated): gnomAD exomes below 0.00001.

Submission:

Labcorp Genetics (formerly Invitae), Labcorp
Classification: Uncertain significance for Charcot-Marie-Tooth disease type 4. Last evaluated: 2022-04-25. Review status: criteria provided, single submitter. Criteria: Invitae Variant Classification Sherloc (09022015). Collection method: clinical testing. Allele origin: germline.
Comment: This sequence change replaces glutamic acid, which is acidic and polar, with lysine, which is basic and polar, at codon 1059 of the SH3TC2 protein (p.Glu1059Lys). In summary, the available evidence is currently insufficient to determine the role of this variant in disease. Therefore, it has been classified as a Variant of Uncertain Significance. Advanced modeling of protein sequence and biophysical properties (such as structural, functional, and spatial information, amino acid conservation, physicochemical variation, residue mobility, and thermodynamic stability) performed at Invitae indicates that this missense variant is not expected to disrupt SH3TC2 protein function. This variant has not been reported in the literature in individuals affected with SH3TC2-related conditions. This variant is not present in population databases (gnomAD no frequency).